The following is an entry in ClinVar:

NM_005334.3(HCFC1):c.4613C>T (p.Ser1538Phe)

Gene: HCFC1 (host cell factor C1; minus strand). Cytogenetic location: Xq28.
Variant type: single nucleotide variant.
Coding change: c.4613C>T on transcript NM_005334.3 (MANE Select); coding-DNA position 4613, C replaced by T.
Protein change: p.Ser1538Phe; replaces serine 1538 with phenylalanine.
Molecular consequence: missense variant.
Genome position (GRCh38, 1-based): chrX:153,952,843, G>A on the plus strand (C>T on the coding strand, the complement: HCFC1 is on the minus strand). VCF-style: chrX-153952843-G-A. GRCh37 (hg19) VCF-style: chrX-153218294-G-A.
Other names: c.4745C>T, p.Ser1582Phe (NM_001410705.1); short protein forms S1538F, S1582F.
Identifiers: ClinVar variation 2501511 (VCV002501511.1), dbSNP rs2521500799, ClinGen allele CA415113045.

ClinVar aggregate classification (germline): Uncertain significance (1 of 4 stars; one submission).

Submission:

GeneDx
Classification: Uncertain significance. Last evaluated: 2022-11-07. Review status: criteria provided, single submitter. Criteria: GeneDx Variant Classification Process June 2021. Collection method: clinical testing. Allele origin: germline. Affected: yes.
Comment: Not observed at significant frequency in large population cohorts (gnomAD); In silico analysis supports that this missense variant does not alter protein structure/function; Has not been previously published as pathogenic or benign to our knowledge